The following is an entry in ClinVar:

ClinVar aggregate classification (germline): Conflicting classifications of pathogenicity. Review status: criteria provided, conflicting classifications (1 of 4 stars). 2 submissions from 2 submitters: Likely pathogenic (1); Uncertain significance (1). Last evaluated 2025-06-11.

Conditions:
HYPERHOMOCYSTEINEMIA, THROMBOTIC, CBS-RELATED. Identifiers: MedGen C3150344, OMIM 236200.

Submissions (2):

Women's Health and Genetics/Laboratory Corporation of America, LabCorp
Classification: Uncertain significance. Last evaluated: 2025-06-11. Review status: criteria provided, single submitter. Criteria: LabCorp Variant Classification Summary - May 2015. Collection method: clinical testing. Allele origin: germline.
Comment: Variant summary: CBS c.1007G>T (p.Arg336Leu) results in a non-conservative amino acid change in the encoded protein sequence. Algorithms developed to predict the effect of missense changes on protein structure and function all suggest that this variant is likely to be disruptive. The frequency data for this variant in gnomAD is considered unreliable, as metrics indicate poor data quality at this position. To our knowledge, no occurrence of c.1007G>T in individuals affected with Homocystinuria and no experimental evidence demonstrating its impact on protein function have been reported. However, different variants affecting the same codon have been classified as pathogenic by our lab (c.1006C>T, p.Arg336Cys and c.1007G>A, p.Arg336His), supporting the critical relevance of codon 336 to CBS protein function. ClinVar contains an entry for this variant (Variation ID: 2908236). Based on the evidence outlined above, the variant was classified as VUS-possibly pathogenic.

Labcorp Genetics (formerly Invitae), Labcorp
Classification: Likely pathogenic for HYPERHOMOCYSTEINEMIA, THROMBOTIC, CBS-RELATED. Last evaluated: 2023-08-21. Review status: criteria provided, single submitter. Criteria: Invitae Variant Classification Sherloc (09022015). Collection method: clinical testing. Allele origin: germline.
Comment: This sequence change replaces arginine, which is basic and polar, with leucine, which is neutral and non-polar, at codon 336 of the CBS protein (p.Arg336Leu). This variant is not present in population databases (gnomAD no frequency). This variant has not been reported in the literature in individuals affected with CBS-related conditions. Advanced modeling of protein sequence and biophysical properties (such as structural, functional, and spatial information, amino acid conservation, physicochemical variation, residue mobility, and thermodynamic stability) performed at Invitae indicates that this missense variant is expected to disrupt CBS protein function. This variant disrupts the p.Arg336 amino acid residue in CBS. Other variant(s) that disrupt this residue have been determined to be pathogenic (PMID: 9870207, 16429402, 22267502, 23974653, 25218699). This suggests that this residue is clinically significant, and that variants that disrupt this residue are likely to be disease-causing. In summary, the currently available evidence indicates that the variant is pathogenic, but additional data are needed to prove that conclusively. Therefore, this variant has been classified as Likely Pathogenic.

Literature cited by the submitters: PubMed 9870207 (cited by Labcorp Genetics (formerly Invitae), Labcorp); PubMed 16429402 (cited by Labcorp Genetics (formerly Invitae), Labcorp); PubMed 22267502 (cited by Labcorp Genetics (formerly Invitae), Labcorp); PubMed 23974653 (cited by Labcorp Genetics (formerly Invitae), Labcorp); PubMed 25218699 (cited by Labcorp Genetics (formerly Invitae), Labcorp).

NM_000071.3(CBS):c.1007G>T (p.Arg336Leu)

Gene: CBS (cystathionine beta-synthase; minus strand). Cytogenetic location: 21q22.3.
Variant type: single nucleotide variant.
Coding change: c.1007G>T on transcript NM_000071.3 (MANE Select); coding-DNA position 1007, G replaced by T.
Protein change: p.Arg336Leu; replaces arginine 336 with leucine.
Molecular consequence: missense variant.
Genome position (GRCh38, 1-based): chr21:43,062,343, C>A on the plus strand (G>T on the coding strand, the complement: CBS is on the minus strand). VCF-style: chr21-43062343-C-A. GRCh37 (hg19) VCF-style: chr21-44482453-C-A.
Other names: c.1007G>T, p.Arg336Leu (NM_001178008.3, NM_001178009.3, NM_001320298.2); c.692G>T, p.Arg231Leu (NM_001321072.1); short protein forms R336L, R231L.
Identifiers: ClinVar variation 2908236 (VCV002908236.4), dbSNP rs760417941, ClinGen allele CA410599797.
Genomic context (GRCh38, chr21:43,062,343, plus strand): 5'-CATACCCCCGTGCCCGCCACCCACTCACCGCACAGCAGCCCCTCTTGCGCGATCAGCATG[C>A]GGGCAAAGGTGAACGCCTCCTCATCGTTGCTCTTGAACCACTTGTCCACCACCTGAGCAG-3'
Protein context (NP_000062.1, residues 326-346): SNDEEAFTFA[Arg336Leu]MLIAQEGLLC